The following is an entry in ClinVar:

ClinVar aggregate classification (germline): Pathogenic. Review status: criteria provided, multiple submitters, no conflicts (2 of 4 stars). 2 submissions from 2 submitters: Pathogenic (2). Last evaluated 2026-07-01.

Conditions:
Glycogen storage disease, type II (IOPD). Also called: CARDIOMEGALIA GLYCOGENICA DIFFUSA; GLYCOGENOSIS, GENERALIZED, CARDIAC FORM; GSD II; POMPE DISEASE, INFANTILE-ONSET; GLYCOGEN STORAGE DISEASE II, INFANTILE-ONSET; ACID ALPHA-GLUCOSIDASE DEFICIENCY, INFANTILE-ONSET. Identifiers: Orphanet 365, MedGen C0017921, MONDO:0009290, OMIM 232300.

Submissions (2):

Genomenon, Inc
Classification: Pathogenic for Glycogen storage disease, type II. Last evaluated: 2026-07-01. Review status: criteria provided, single submitter. Criteria: Genomenon Sequence Variant Interpretation Standards - Updated. Collection method: curation. Allele origin: germline. Affected: yes.
Comment: GAA c.547-1G>C is a canonical splice variant affecting the acceptor splice site of intron 2. It is predicted to affect mRNA splicing, leading to a deleterious effect on the GAA protein. This variant has been observed in at least one proband with a GAA-related disorder (PMID:29124014). It is absent or not present at a significant frequency in gnomAD. In conclusion, we classify GAA c.547-1G>C as a pathogenic variant.

Labcorp Genetics (formerly Invitae), Labcorp
Classification: Pathogenic for Glycogen storage disease, type II. Last evaluated: 2024-10-08. Review status: criteria provided, single submitter. Criteria: Invitae Variant Classification Sherloc (09022015). Collection method: clinical testing. Allele origin: germline.
Comment: This sequence change affects an acceptor splice site in intron 2 of the GAA gene. It is expected to disrupt RNA splicing. Variants that disrupt the donor or acceptor splice site typically lead to a loss of protein function (PMID: 16199547), and loss-of-function variants in GAA are known to be pathogenic (PMID: 18425781, 22252923). This variant is not present in population databases (gnomAD no frequency). Disruption of this splice site has been observed in individual(s) with Pompe disease (PMID: 29124014). ClinVar contains an entry for this variant (Variation ID: 1431937). Algorithms developed to predict the effect of sequence changes on RNA splicing suggest that this variant may disrupt the consensus splice site. For these reasons, this variant has been classified as Pathogenic.

Literature cited by the submitters: PubMed 29124014 (cited by Genomenon, Inc and Labcorp Genetics (formerly Invitae), Labcorp); PubMed 16199547 (cited by Labcorp Genetics (formerly Invitae), Labcorp); PubMed 18425781 (cited by Labcorp Genetics (formerly Invitae), Labcorp); PubMed 22252923 (cited by Labcorp Genetics (formerly Invitae), Labcorp).

NM_000152.5(GAA):c.547-1G>C

Gene: GAA (alpha glucosidase; plus strand). Cytogenetic location: 17q25.3.
Variant type: single nucleotide variant.
Coding change: c.547-1G>C on transcript NM_000152.5 (MANE Select); the canonical splice acceptor site of the intron before coding-DNA position 547, G replaced by C.
Molecular consequence: splice acceptor variant.
Genome position (GRCh38, 1-based): chr17:80,105,748, G>C. VCF-style: chr17-80105748-G-C. GRCh37 (hg19) VCF-style: chr17-78079547-G-C.
Other names: c.547-1G>C (NM_001406741.1, NM_001406742.1, NM_001079803.3 and 1 more transcripts).
Identifiers: ClinVar variation 1431937 (VCV001431937.9), dbSNP rs2143833579, ClinGen allele CA401362012.